The following is an entry in ClinVar:

ClinVar aggregate classification (germline): Uncertain significance (1 of 4 stars; one submission).

Conditions:
Hereditary sensory and autonomic neuropathy type 6. Also called: Neuropathy, hereditary sensory and autonomic, type VI; HSAN VI. Identifiers: Orphanet 314381, MedGen C3539003, MONDO:0013839, OMIM 614653.
Epidermolysis bullosa simplex 3, localized or generalized intermediate, with BP230 deficiency (EBS3). Also called: Epidermolysis bullosa simplex, autosomal recessive 2; Epidermolysis bullosa simplex due to BP230 deficiency. Identifiers: Orphanet 412181, MedGen C3809470, MONDO:0014180, OMIM 615425.

Allele frequency attached by ClinVar (database versions not stated): gnomAD exomes below 0.00001 and 0.00001; TOPMed 0.00002; gnomAD 0.00003; ExAC 0.00004.
gnomAD v4.1: 5 of 1,577,336 alleles (0.00032%); highest among the groups gnomAD compares: African/African-American, 0.0068%; no homozygotes.

Submission:

Labcorp Genetics (formerly Invitae), Labcorp
Classification: Uncertain significance for Epidermolysis bullosa simplex 3, localized or generalized intermediate, with BP230 deficiency; Hereditary sensory and autonomic neuropathy type 6. Last evaluated: 2019-12-22. Review status: criteria provided, single submitter. Criteria: Invitae Variant Classification Sherloc (09022015). Collection method: clinical testing. Allele origin: germline.
Comment: In summary, the available evidence is currently insufficient to determine the role of this variant in disease. Therefore, it has been classified as a Variant of Uncertain Significance. Experimental studies and prediction algorithms are not available or were not evaluated, and the functional significance of this variant is currently unknown. This variant has not been reported in the literature in individuals with DST-related conditions. This variant is present in population databases (rs770222634, ExAC 0.04%). This sequence change replaces aspartic acid with asparagine at codon 1182 of the DST protein (p.Asp1182Asn). The aspartic acid residue is weakly conserved and there is a small physicochemical difference between the two amino acids. The DST gene has multiple clinically relevant transcripts. This variant occurs in alternate transcript NM_015548.4, and corresponds to NM_001723.5:c.*4962G>A in the primary transcript.

NM_001374736.1(DST):c.5155G>A (p.Asp1719Asn)

Gene: DST (dystonin; minus strand). Cytogenetic location: 6p12.1.
Variant type: single nucleotide variant.
Coding change: c.5155G>A on transcript NM_001374736.1 (MANE Select); coding-DNA position 5155, G replaced by A.
Protein change: p.Asp1719Asn; replaces aspartic acid 1719 with asparagine.
Molecular consequence: missense variant.
Genome position (GRCh38, 1-based): chr6:56,610,555, C>T on the plus strand (G>A on the coding strand, the complement: DST is on the minus strand). VCF-style: chr6-56610555-C-T. GRCh37 (hg19) VCF-style: chr6-56475353-C-T.
Other names: c.5056G>A, p.Asp1686Asn (NM_001144769.5); c.4642G>A, p.Asp1548Asn (NM_001144770.2); c.5155G>A, p.Asp1719Asn (NM_001374722.1); c.4522G>A, p.Asp1508Asn (NM_001374729.1, NM_001374730.1, NM_183380.4); c.5182G>A, p.Asp1728Asn (NM_001374734.1); c.3544G>A, p.Asp1182Asn (NM_015548.5); short protein forms D1548N, D1719N, D1182N, D1728N, D1508N, D1686N.
Identifiers: ClinVar variation 967818 (VCV000967818.8), dbSNP rs770222634, ClinGen allele CA3869783.
Genomic context (GRCh38, chr6:56,610,555, plus strand): 5'-ATAAATTATAACTTTCCTGAAGAGTTTTCACTTGTTTTTCCAATTCATTTCTTTCTTCAT[C>T]TGTCATTCTAAATAACCAGAAATGATAAAAAGACTAATGCAAGTCGTCCTCAAGAGATAA-3'
Protein context (NP_001361665.1, residues 1709-1729): FLAKHGDKMT[Asp1719Asn]EERNELEKQV